The following is an entry in ClinVar:

NM_001321759.2(CDIN1):c.732A>C (p.Leu244Phe)

Gene: CDIN1 (CDAN1 interacting nuclease 1; plus strand). Cytogenetic location: 15q14.
Variant type: single nucleotide variant.
Coding change: c.732A>C on transcript NM_001321759.2 (MANE Select); coding-DNA position 732, A replaced by C.
Protein change: p.Leu244Phe; replaces leucine 244 with phenylalanine.
Molecular consequence: missense variant. On other transcripts: stop lost (1).
Genome position (GRCh38, 1-based): chr15:36,808,339, A>C. VCF-style: chr15-36808339-A-C. GRCh37 (hg19) VCF-style: chr15-37100540-A-C.
Other names: c.732A>C, p.Leu244Phe (NM_001130010.3); c.438A>C, p.Leu146Phe (NM_001290232.2, NM_001321756.2, NM_032499.6); c.363A>C, p.Leu121Phe (NM_001321757.2); c.621A>C, p.Leu207Phe (NM_001321758.2); c.626A>C, p.Ter209Ser (NM_001321760.2); c.750A>C, p.Leu250Phe (NM_001321761.2); short protein forms L121F, L146F, L207F, L244F, L250F.
Identifiers: ClinVar variation 3392806 (VCV003392806.1).
Genomic context (GRCh38, chr15:36,808,339, plus strand): 5'-TCTGTTGATACCATGTGTGTGTGTTATTTTCTGGTGTTTTTACAGATTTGGGCCAGGCTT[A>C]GTCATCTATTGGTATGGATTTATCCAGGAGCTGGACTGCAACCGGGAAAGGGGCATCCTG-3'
Protein context (NP_001308688.1, residues 234-254): WSYWNRFGPG[Leu244Phe]VIYWYGFIQE

ClinVar aggregate classification (germline): Uncertain significance (1 of 4 stars; one submission).

gnomAD v4.1: 7 of 1,613,494 alleles (0.00043%); highest among the groups gnomAD compares: Non-Finnish European, 0.00051%; no homozygotes.

Submission:

GeneDx
Classification: Uncertain significance. Last evaluated: 2024-06-25. Review status: criteria provided, single submitter. Criteria: GeneDx Variant Classification Process June 2021. Collection method: clinical testing. Allele origin: germline. Affected: yes.
Comment: Not observed at significant frequency in large population cohorts (gnomAD); In silico analysis supports that this missense variant has a deleterious effect on protein structure/function; Has not been previously published as pathogenic or benign to our knowledge